The following is an entry in ClinVar:

ClinVar aggregate classification (germline): Uncertain significance. Review status: criteria provided, multiple submitters, no conflicts (2 of 4 stars). 2 submissions from 2 submitters: Uncertain significance (2). Last evaluated 2025-01-15.

Conditions:
ABCB4-related disorder. Also called: ABCB4-related disorders; ABCB4-related condition.

gnomAD v4.1: 1 of 1,614,184 alleles (0.000062%); highest among the groups gnomAD compares: Non-Finnish European, 0.000085%; no homozygotes.

Submissions (2):

PreventionGenetics, part of Exact Sciences
Classification: Uncertain significance for ABCB4-related condition. Last evaluated: 2025-01-15. Review status: criteria provided, single submitter. Criteria: ACMG Guidelines, 2015. Collection method: clinical testing. Allele origin: germline.
Comment: The ABCB4 c.3394T>G variant is predicted to result in the amino acid substitution p.Tyr1132Asp. To our knowledge, this variant has not been reported in the literature or in a large population database (gnomAD), indicating this variant is rare. At this time, the clinical significance of this variant is uncertain due to the absence of conclusive functional and genetic evidence.

Blueprint Genetics
Classification: Uncertain significance. Last evaluated: 2024-08-02. Review status: criteria provided, single submitter. Criteria: ACMG Guidelines, 2015. Collection method: clinical testing. Allele origin: germline.

NM_000443.4(ABCB4):c.3394T>G (p.Tyr1132Asp)

Gene: ABCB4 (ATP binding cassette subfamily B member 4; minus strand). Cytogenetic location: 7q21.12.
Variant type: single nucleotide variant.
Coding change: c.3394T>G on transcript NM_000443.4 (MANE Select); coding-DNA position 3394, T replaced by G.
Protein change: p.Tyr1132Asp; replaces tyrosine 1132 with aspartic acid.
Molecular consequence: missense variant.
Genome position (GRCh38, 1-based): chr7:87,406,380, A>C on the plus strand (T>G on the coding strand, the complement: ABCB4 is on the minus strand). VCF-style: chr7-87406380-A-C. GRCh37 (hg19) VCF-style: chr7-87035696-A-C.
Other names: c.3394T>G (NM_000443.3); c.3415T>G, p.Tyr1139Asp (NM_018849.3); c.3253T>G, p.Tyr1085Asp (NM_018850.3); short protein forms Y1085D, Y1132D, Y1139D.
Identifiers: ClinVar variation 4896490 (VCV004896490.2).